The following is an entry in ClinVar:

ClinVar aggregate classification (germline): Benign/Likely benign. Review status: criteria provided, multiple submitters, no conflicts (2 of 4 stars). 2 submissions from 2 submitters: Benign (1); Likely benign (1). Last evaluated 2020-03-02.

Conditions:
Nephrotic syndrome, type 3 (NPHS3). Also called: NEPHROTIC SYNDROME, EARLY-ONSET, TYPE 3. Identifiers: Orphanet 656, MedGen C1853124, MONDO:0012546, OMIM 610725.

Allele frequency attached by ClinVar (database versions not stated): gnomAD exomes 0.00046; gnomAD 0.00379 and 0.00403; 1000 Genomes Project 30x 0.00390; 1000 Genomes Project 0.00439; TOPMed 0.00445.
gnomAD v4.1: 767 of 514,502 alleles (0.15%); highest among the groups gnomAD compares: African/African-American, 1.3%; 5 homozygotes.

Submissions (2):

GeneDx
Classification: Likely benign. Last evaluated: 2020-03-02. Review status: criteria provided, single submitter. Criteria: GeneDx Variant Classification Process June 2021. Collection method: clinical testing. Allele origin: germline. Affected: yes.

Illumina Laboratory Services, Illumina
Classification: Benign for Nephrotic syndrome, type 3. Last evaluated: 2018-01-13. Review status: criteria provided, single submitter. Criteria: ICSL Variant Classification Criteria 13 December 2019. Collection method: clinical testing. Allele origin: germline.
Comment: This variant was observed in the ICSL laboratory as part of a predisposition screen in an ostensibly healthy population. It had not been previously curated by ICSL or reported in the Human Gene Mutation Database (HGMD: prior to June 1st, 2018), and was therefore a candidate for classification through an automated scoring system. Utilizing variant allele frequency, disease prevalence and penetrance estimates, and inheritance mode, an automated score was calculated to assess if this variant is too frequent to cause the disease. Based on the score and internal cut-off values, a variant classified as benign is not then subjected to further curation. The score for this variant resulted in a classification of benign for this disease.

NM_016341.4(PLCE1):c.-246A>G

Gene: PLCE1 (phospholipase C epsilon 1; plus strand). Cytogenetic location: 10q23.33.
Variant type: single nucleotide variant.
Coding change: c.-246A>G on transcript NM_016341.4 (MANE Select); 246 bases upstream of the start codon, A replaced by G.
Molecular consequence: 5 prime UTR variant.
Genome position (GRCh38, 1-based): chr10:94,030,801, A>G. VCF-style: chr10-94030801-A-G. GRCh37 (hg19) VCF-style: chr10-95790558-A-G.
Other names: c.-246A>G (NM_001288989.2).
Identifiers: ClinVar variation 877653 (VCV000877653.6), dbSNP rs139061122, ClinGen allele CA211588699.
Genomic context (GRCh38, chr10:94,030,801, plus strand): 5'-AGTTGCAGAGTGCAATCCCGAGTAAAAGTCTTCAAAAAATTTTGCTTCAGGTAACAGAGG[A>G]AGGAAAATTGATCTACCACCTTAAAACCCTGATCTAGAAAAAATATATATTCATGATAGG-3'